The following is an entry in ClinVar:

ClinVar aggregate classification (germline): Uncertain significance (1 of 4 stars; one submission).

Conditions:
Inborn genetic diseases. Identifiers: MedGen C0950123, MeSH D030342.

Submission:

Ambry Genetics
Classification: Uncertain significance for Inborn genetic diseases. Last evaluated: 2026-07-07. Review status: criteria provided, single submitter. Criteria: Ambry Variant Classification Scheme 2023. Collection method: clinical testing. Allele origin: germline.
Comment: The p.N77H variant (also known as c.229A>C), located in coding exon 1 of the WT1 gene, results from an A to C substitution at nucleotide position 229. The asparagine at codon 77 is replaced by histidine, an amino acid with similar properties. This amino acid position is conserved. In addition, this alteration is predicted to be tolerated by in silico analysis. Based on the available evidence, the clinical significance of this variant remains unclear.

NM_024426.6(WT1):c.244A>C (p.Asn82His)

Genes: WT1 (WT1 transcription factor; minus strand), LOC107982234 (WT1/WT1-AS bi-directional promoter region; plus strand). Cytogenetic location: 11p13.
Variant type: single nucleotide variant.
Coding change: c.244A>C on transcript NM_024426.6 (MANE Select); coding-DNA position 244, A replaced by C.
Protein change: p.Asn82His; replaces asparagine 82 with histidine.
Molecular consequence: missense variant. On other transcripts: non-coding transcript variant (2).
Genome position (GRCh38, 1-based): chr11:32,435,117, T>G on the plus strand (A>C on the coding strand, the complement: WT1 is on the minus strand). VCF-style: chr11-32435117-T-G. GRCh37 (hg19) VCF-style: chr11-32456663-T-G.
Other names: c.244A>C, p.Asn82His (NM_000378.6, NM_001407044.1, NM_001407045.1 and 6 more transcripts); c.25A>C, p.Asn9His (NM_001429031.1, NM_001429032.1, NM_001429033.1 and 1 more transcripts); short protein forms N82H, N9H, N77H.
Identifiers: ClinVar variation 5032034 (VCV005032034.1).